The following is an entry in ClinVar:

NM_001276345.2(TNNT2):c.431G>C (p.Arg144Pro)

Gene: TNNT2 (troponin T2, cardiac type; minus strand). Cytogenetic location: 1q32.1.
Variant type: single nucleotide variant.
Coding change: c.431G>C on transcript NM_001276345.2 (MANE Select); coding-DNA position 431, G replaced by C.
Protein change: p.Arg144Pro; replaces arginine 144 with proline.
Molecular consequence: missense variant.
Genome position (GRCh38, 1-based): chr1:201,364,356, C>G on the plus strand (G>C on the coding strand, the complement: TNNT2 is on the minus strand). VCF-style: chr1-201364356-C-G. GRCh37 (hg19) VCF-style: chr1-201333484-C-G.
Other names: c.431G>C, p.Arg144Pro (NM_000364.4); c.401G>C, p.Arg134Pro (NM_001001430.3, NM_001001431.3, NM_001276347.2); c.386G>C, p.Arg129Pro (NM_001001432.3); c.311G>C, p.Arg104Pro (NM_001276346.2); short protein forms R104P, R129P, R134P, R144P.
Identifiers: ClinVar variation 982844 (VCV000982844.3), dbSNP rs754037135, ClinGen allele CA344205905.
Genomic context (GRCh38, chr1:201,364,356, plus strand): 5'-ACAGCCAGGCGGTTCTGCCGCTCCTTCTCCCGCTCATTCCGGATGCGCTGCTGCTCGGCC[C>G]GCTCTGCCCGACGTCTCTCCTAAGGAGAAGAGGCAAAGCCCACCCAGGTGTGCATAGGGA-3'
Protein context (NP_001263274.1, residues 134-154): KDRIERRRAE[Arg144Pro]AEQQRIRNER

ClinVar aggregate classification (germline): Conflicting classifications of pathogenicity. Review status: criteria provided, conflicting classifications (1 of 4 stars). 2 submissions from 2 submitters: Likely pathogenic (1); Uncertain significance (1). Last evaluated 2025-03-24.

Conditions:
Dilated cardiomyopathy 1D. Identifiers: Orphanet 154, Orphanet 54260, MedGen C1832243, MONDO:0011095, OMIM 601494.
Hypertrophic cardiomyopathy 2. Also called: TNNT2-Related Familial Hypertrophic Cardiomyopathy. Identifiers: MedGen C1861864, MONDO:0007266, OMIM 115195.
Cardiomyopathy, familial restrictive, 3. Identifiers: Orphanet 75249, MedGen C2676271, MONDO:0012900, OMIM 612422.

gnomAD v4.1: 3 of 1,613,122 alleles (0.00019%); highest among the groups gnomAD compares: Non-Finnish European, 0.00025%; no homozygotes.

Submissions (2):

Labcorp Genetics (formerly Invitae), Labcorp
Classification: Likely pathogenic for Cardiomyopathy, familial restrictive, 3; Hypertrophic cardiomyopathy 2; Dilated cardiomyopathy 1D. Last evaluated: 2025-03-24. Review status: criteria provided, single submitter. Criteria: Invitae Variant Classification Sherloc (09022015). Collection method: clinical testing. Allele origin: germline.
Comment: This sequence change replaces arginine, which is basic and polar, with proline, which is neutral and non-polar, at codon 134 of the TNNT2 protein (p.Arg134Pro). This variant is not present in population databases (gnomAD no frequency). This missense change has been observed in individual(s) with left ventricular noncompaction (PMID: 28798025). This variant is also known as p.R104P. ClinVar contains an entry for this variant (Variation ID: 982844). Invitae Evidence Modeling of protein sequence and biophysical properties (such as structural, functional, and spatial information, amino acid conservation, physicochemical variation, residue mobility, and thermodynamic stability) has been performed for this missense variant. However, the output from this modeling did not meet the statistical confidence thresholds required to predict the impact of this variant on TNNT2 protein function. This variant disrupts the p.Arg134 amino acid residue in TNNT2. Other variant(s) that disrupt this residue have been determined to be pathogenic (PMID: 20031601, 33025817). This suggests that this residue is clinically significant, and that variants that disrupt this residue are likely to be disease-causing. In summary, the currently available evidence indicates that the variant is pathogenic, but additional data are needed to prove that conclusively. Therefore, this variant has been classified as Likely Pathogenic.

Institute of Human Genetics, University of Leipzig Medical Center
Classification: Uncertain significance for Dilated cardiomyopathy 1D. Last evaluated: 2019-01-01. Review status: criteria provided, single submitter. Criteria: ACMG Guidelines, 2015. Collection method: clinical testing. Allele origin: unknown. Affected: yes.

Literature cited by the submitters: PubMed 28798025 (cited by Labcorp Genetics (formerly Invitae), Labcorp); PubMed 20031601 (cited by Labcorp Genetics (formerly Invitae), Labcorp); PubMed 33025817 (cited by Labcorp Genetics (formerly Invitae), Labcorp).